The following is an entry in ClinVar:

ClinVar aggregate classification (germline): Uncertain significance. Review status: criteria provided, multiple submitters, no conflicts (2 of 4 stars). 3 submissions from 3 submitters: Uncertain significance (3). Last evaluated 2026-07-01.

Conditions:
Long QT syndrome (LQTS). Identifiers: MedGen C0023976, MeSH D008133, MONDO:0002442. Disease mechanism: loss of function. Inheritance: Various modes of inheritance.
Cardiovascular phenotype. Identifiers: MedGen CN230736.
Cardiac arrhythmia, ankyrin-B-related. Also called: ANKYRIN-B SYNDROME. Identifiers: Orphanet 101016, Orphanet 768, MedGen C1970119, MONDO:0010958, OMIM 600919.

gnomAD v4.1: 2 of 1,561,416 alleles (0.00013%); highest among the groups gnomAD compares: Non-Finnish European, 0.00017%; no homozygotes.

Submissions (3):

Ambry Genetics
Classification: Uncertain significance for Cardiovascular phenotype. Last evaluated: 2026-07-01. Review status: criteria provided, single submitter. Criteria: Ambry Variant Classification Scheme 2023. Collection method: clinical testing. Allele origin: germline.
Comment: The p.A492T variant (also known as c.1474G>A), located in coding exon 14 of the ANK2 gene, results from a G to A substitution at nucleotide position 1474. The alanine at codon 492 is replaced by threonine, an amino acid with similar properties. This amino acid position is conserved. In addition, this alteration is predicted to be tolerated by in silico analysis. Based on the available evidence, the clinical significance of this variant remains unclear.

Fulgent Genetics
Classification: Uncertain significance for Cardiac arrhythmia, ankyrin-B-related. Last evaluated: 2021-07-01. Review status: criteria provided, single submitter. Criteria: ACMG Guidelines, 2015. Collection method: clinical testing. Allele origin: unknown.

Labcorp Genetics (formerly Invitae), Labcorp
Classification: Uncertain significance for Long QT syndrome. Last evaluated: 2020-12-11. Review status: criteria provided, single submitter. Criteria: Invitae Variant Classification Sherloc (09022015). Collection method: clinical testing. Allele origin: germline.
Comment: This sequence change replaces alanine with threonine at codon 492 of the ANK2 protein (p.Ala492Thr). The alanine residue is highly conserved and there is a small physicochemical difference between alanine and threonine. This variant is not present in population databases (ExAC no frequency). This variant has not been reported in the literature in individuals with ANK2-related conditions. Algorithms developed to predict the effect of missense changes on protein structure and function are either unavailable or do not agree on the potential impact of this missense change (SIFT: "Deleterious"; PolyPhen-2: "Possibly Damaging"; Align-GVGD: "Class C0"). In summary, the available evidence is currently insufficient to determine the role of this variant in disease. Therefore, it has been classified as a Variant of Uncertain Significance.

NM_001148.6(ANK2):c.1474G>A (p.Ala492Thr)

Gene: ANK2 (ankyrin 2; plus strand). Cytogenetic location: 4q26.
Variant type: single nucleotide variant.
Coding change: c.1474G>A on transcript NM_001148.6 (MANE Select); coding-DNA position 1474, G replaced by A.
Protein change: p.Ala492Thr; replaces alanine 492 with threonine.
Molecular consequence: missense variant.
Genome position (GRCh38, 1-based): chr4:113,264,984, G>A. VCF-style: chr4-113264984-G-A. GRCh37 (hg19) VCF-style: chr4-114186140-G-A.
Other names: c.1387G>A, p.Ala463Thr (NM_001386150.1, NM_001386151.1, NM_001386153.1 and 13 more transcripts); c.1519G>A, p.Ala507Thr (NM_001386152.1, NM_001354241.2, NM_001354242.2 and 5 more transcripts); c.1411G>A, p.Ala471Thr (NM_001386156.1, NM_001386161.1, NM_001127493.3 and 14 more transcripts); c.1189G>A, p.Ala397Thr (NM_001386157.1, NM_001386158.1, NM_001354277.2); c.1432G>A, p.Ala478Thr (NM_001386160.1, NM_001354261.2, NM_001386147.1); c.1474G>A, p.Ala492Thr (NM_001354225.2, NM_001354245.2, NM_001354246.2 and 8 more transcripts); c.1264G>A, p.Ala422Thr (NM_001354269.3); c.1276G>A, p.Ala426Thr (NM_001354273.2); and 5 more; short protein forms A463T, A471T, A507T, A478T, A488T, A501T, A422T, A426T.
Identifiers: ClinVar variation 1443969 (VCV001443969.10), dbSNP rs2153658293, ClinGen allele CA357931364.